The following is an entry in ClinVar:

ClinVar aggregate classification (germline): Conflicting classifications of pathogenicity. Review status: criteria provided, conflicting classifications (1 of 4 stars). 4 submissions from 4 submitters: Uncertain significance (3); Likely benign (1). Last evaluated 2025-08-22.

Conditions:
Inborn genetic diseases. Identifiers: MedGen C0950123, MeSH D030342.
Hyperphosphatasia with impaired intellectual development syndrome 1. Also called: MABRY SYNDROME; GLYCOSYLPHOSPHATIDYLINOSITOL BIOSYNTHESIS DEFECT 2; Hyperphosphatasia with intellectual disability syndrome 1. Identifiers: Orphanet 247262, MedGen C4551502, MONDO:0009398, OMIM 239300.

Allele frequency attached by ClinVar (database versions not stated): gnomAD 0.00002; TOPMed 0.00003; ExAC 0.00002; gnomAD exomes 0.00006.

Submissions (4):

Ambry Genetics
Classification: Uncertain significance for Inborn genetic diseases. Last evaluated: 2025-08-22. Review status: criteria provided, single submitter. Criteria: Ambry Variant Classification Scheme 2023. Collection method: clinical testing. Allele origin: germline.

Labcorp Genetics (formerly Invitae), Labcorp
Classification: Likely benign. Last evaluated: 2025-03-11. Review status: criteria provided, single submitter. Criteria: Invitae Variant Classification Sherloc (09022015). Collection method: clinical testing. Allele origin: germline.

GeneDx
Classification: Uncertain significance. Last evaluated: 2018-06-12. Review status: criteria provided, single submitter. Criteria: GeneDx Variant Classification (06012015). Collection method: clinical testing. Allele origin: germline. Affected: yes.
Comment: A variant of uncertain significance has been identified in the PIGV gene. The V383M variant has not been published as a pathogenic variant, nor has it been reported as a benign variant to our knowledge. This variant is observed in 8/9800 (0.08%) alleles from individuals of Ashkenazi Jewish background in large population cohorts (Lek et al., 2016). The V383M variant is a conservative amino acid substitution, which is not likely to impact secondary protein structure as these residues share similar properties. In-silico analyses, including protein predictors and evolutionary conservation, support that this variant does not alter protein structure/function. Therefore, based on the currently available information, it is unclear whether this variant is a pathogenic variant or a rare benign variant.

Illumina Laboratory Services, Illumina
Classification: Uncertain significance for Hyperphosphatasia with impaired intellectual development syndrome 1. Last evaluated: 2018-01-12. Review status: criteria provided, single submitter. Criteria: ICSL Variant Classification Criteria 13 December 2019. Collection method: clinical testing. Allele origin: germline.

NM_017837.4(PIGV):c.1147G>A (p.Val383Met)

Gene: PIGV (phosphatidylinositol glycan anchor biosynthesis class V; plus strand). Cytogenetic location: 1p36.11.
Variant type: single nucleotide variant.
Coding change: c.1147G>A on transcript NM_017837.4 (MANE Select); coding-DNA position 1147, G replaced by A.
Protein change: p.Val383Met; replaces valine 383 with methionine.
Molecular consequence: missense variant. On other transcripts: non-coding transcript variant (1), intron variant (1).
Genome position (GRCh38, 1-based): chr1:26,795,181, G>A. VCF-style: chr1-26795181-G-A. GRCh37 (hg19) VCF-style: chr1-27121672-G-A.
Other names: c.1147G>A, p.Val383Met (NM_001202554.2, NM_001374478.1, NM_001374480.1 and 2 more transcripts); c.766G>A, p.Val256Met (NM_001374483.1); c.520G>A, p.Val174Met (NM_001374484.1, NM_001374485.1); c.79-2382G>A (NM_001374486.1); short protein forms V383M, V174M, V256M.
Identifiers: ClinVar variation 451215 (VCV000451215.11), dbSNP rs765449173, ClinGen allele CA708171.